The following is an entry in ClinVar:

ClinVar aggregate classification (germline): Uncertain significance. Review status: criteria provided, multiple submitters, no conflicts (2 of 4 stars). 6 submissions from 6 submitters: Uncertain significance (6). Last evaluated 2024-10-04.

Conditions:
Inborn genetic diseases. Identifiers: MedGen C0950123, MeSH D030342.
Hereditary spastic paraplegia 47. Also called: Spastic paraplegia 47, autosomal recessive; CEREBRAL PALSY, SPASTIC QUADRIPLEGIC, 5; adaptor protein 4 (AP-4) deficiency syndrome. Identifiers: Orphanet 280763, MedGen C3279738, MONDO:0013551, OMIM 614066.

Allele frequency attached by ClinVar (database versions not stated): gnomAD 0.00003 and 0.00007; TOPMed 0.00007; gnomAD exomes 0.00011 and 0.00012; ExAC 0.00013; ESP Exome Variant Server 0.00015; 1000 Genomes Project 30x 0.00016; 1000 Genomes Project 0.00020.
gnomAD v4.1: 190 of 1,614,164 alleles (0.012%); highest among the groups gnomAD compares: East Asian, 0.31%; no homozygotes.

Submissions (6):

Blueprint Genetics
Classification: Uncertain significance. Last evaluated: 2024-10-04. Review status: criteria provided, single submitter. Criteria: ACMG Guidelines, 2015. Collection method: clinical testing. Allele origin: germline.

Ambry Genetics
Classification: Uncertain significance for Inborn genetic diseases. Last evaluated: 2024-03-19. Review status: criteria provided, single submitter. Criteria: Ambry Variant Classification Scheme 2023. Collection method: clinical testing. Allele origin: germline.

Genome-Nilou Lab
Classification: Uncertain significance for Hereditary spastic paraplegia 47. Last evaluated: 2023-04-11. Review status: criteria provided, single submitter. Criteria: ACMG Guidelines, 2015. Collection method: clinical testing. Allele origin: germline. Affected: no.

Labcorp Genetics (formerly Invitae), Labcorp
Classification: Uncertain significance for Hereditary spastic paraplegia 47. Last evaluated: 2018-10-29. Review status: criteria provided, single submitter. Criteria: Invitae Variant Classification Sherloc (09022015). Collection method: clinical testing. Allele origin: germline.
Comment: In summary, the available evidence is currently insufficient to determine the role of this variant in disease. Therefore, it has been classified as a Variant of Uncertain Significance. Algorithms developed to predict the effect of missense changes on protein structure and function output the following: SIFT: "Tolerated"; PolyPhen-2: "Benign"; Align-GVGD: "Class C0". The valine amino acid residue is found in multiple mammalian species, suggesting that this missense change does not adversely affect protein function. These predictions have not been confirmed by published functional studies and their clinical significance is uncertain. This variant has not been reported in the literature in individuals with AP4B1-related disease. ClinVar contains an entry for this variant (Variation ID: 434225). This variant is present in population databases (rs143389123, ExAC 0.1%). This sequence change replaces alanine with valine at codon 361 of the AP4B1 protein (p.Ala361Val). The alanine residue is moderately conserved and there is a small physicochemical difference between alanine and valine.

Genetic Services Laboratory, University of Chicago
Classification: Uncertain significance. Last evaluated: 2016-10-06. Review status: criteria provided, single submitter. Criteria: ACMG Guidelines, 2015. Collection method: clinical testing. Allele origin: germline. Affected: no.

Breakthrough Genomics
Classification: Uncertain significance. Review status: criteria provided, single submitter. Criteria: ACMG Guidelines, 2015. Collection method: not provided. Allele origin: germline. Inheritance: Autosomal recessive inheritance. Affected: yes.

NM_001253852.3(AP4B1):c.1082C>T (p.Ala361Val)

Genes: AP4B1 (adaptor related protein complex 4 subunit beta 1; minus strand), AP4B1-AS1 (AP4B1 antisense RNA 1; plus strand). Cytogenetic location: 1p13.2.
Variant type: single nucleotide variant.
Coding change: c.1082C>T on transcript NM_001253852.3 (MANE Select); coding-DNA position 1082, C replaced by T.
Protein change: p.Ala361Val; replaces alanine 361 with valine.
Molecular consequence: missense variant. On other transcripts: non-coding transcript variant (2).
Genome position (GRCh38, 1-based): chr1:113,899,936, G>A on the plus strand (C>T on the coding strand, the complement: AP4B1 is on the minus strand). VCF-style: chr1-113899936-G-A. GRCh37 (hg19) VCF-style: chr1-114442558-G-A.
Other names: c.785C>T, p.Ala262Val (NM_001253853.3); c.578C>T, p.Ala193Val (NM_001308312.2); c.1082C>T, p.Ala361Val (NM_006594.5); short protein forms A361V, A262V, A193V.
Identifiers: ClinVar variation 434225 (VCV000434225.20), dbSNP rs143389123, ClinGen allele CA1015933.